The following is an entry in ClinVar:

NM_001034853.2(RPGR):c.248-1G>A

Gene: RPGR (retinitis pigmentosa GTPase regulator; minus strand). Cytogenetic location: Xp11.4.
Variant type: single nucleotide variant.
Coding change: c.248-1G>A on transcript NM_001034853.2 (MANE Select); the canonical splice acceptor site of the intron before coding-DNA position 248, G replaced by A.
Molecular consequence: splice acceptor variant.
Genome position (GRCh38, 1-based): chrX:38,321,090, C>T on the plus strand (G>A on the coding strand, the complement: RPGR is on the minus strand). VCF-style: chrX-38321090-C-T. GRCh37 (hg19) VCF-style: chrX-38180343-C-T.
Other names: c.248-1G>A (NM_001367249.1, NM_001367250.1, NM_001367245.1 and 4 more transcripts); c.278-1G>A (NM_001367248.1).
Identifiers: ClinVar variation 2099794 (VCV002099794.4), dbSNP rs2519902491, ClinGen allele CA412745484.

ClinVar aggregate classification (germline): Pathogenic (1 of 4 stars; one submission).

Conditions:
Primary ciliary dyskinesia. Also called: Ciliary dyskinesia. Identifiers: Orphanet 244, MedGen C0008780, MONDO:0016575, HP:0012265.

Submission:

Labcorp Genetics (formerly Invitae), Labcorp
Classification: Pathogenic for Primary ciliary dyskinesia. Last evaluated: 2022-04-06. Review status: criteria provided, single submitter. Criteria: Invitae Variant Classification Sherloc (09022015). Collection method: clinical testing. Allele origin: germline.
Comment: This variant is not present in population databases (gnomAD no frequency). For these reasons, this variant has been classified as Pathogenic. Algorithms developed to predict the effect of sequence changes on RNA splicing suggest that this variant may disrupt the consensus splice site. Disruption of this splice site has been observed in individuals with retinitis pigmentosa (PMID: 23847139, 33576794; Invitae). This sequence change affects an acceptor splice site in intron 3 of the RPGR gene. It is expected to disrupt RNA splicing. Variants that disrupt the donor or acceptor splice site typically lead to a loss of protein function (PMID: 16199547), and loss-of-function variants in RPGR are known to be pathogenic (PMID: 16055928, 16969763).

Literature cited by the submitters: PubMed 23847139; PubMed 33576794; PubMed 16199547; PubMed 16055928; PubMed 16969763.